The following is an entry in ClinVar:

NM_033453.4(ITPA):c.316G>A (p.Gly106Arg)

Gene: ITPA (inosine triphosphatase; plus strand). Cytogenetic location: 20p13.
Variant type: single nucleotide variant.
Coding change: c.316G>A on transcript NM_033453.4 (MANE Select); coding-DNA position 316, G replaced by A.
Protein change: p.Gly106Arg; replaces glycine 106 with arginine.
Molecular consequence: missense variant. On other transcripts: 5 prime UTR variant (4), non-coding transcript variant (2).
Genome position (GRCh38, 1-based): chr20:3,218,537, G>A. VCF-style: chr20-3218537-G-A. GRCh37 (hg19) VCF-style: chr20-3199183-G-A.
Other names: c.193G>A, p.Gly65Arg (NM_001267623.2); c.-22G>A (NM_001324236.2, NM_001324237.2, NM_001324238.2 and 1 more transcripts); c.316G>A, p.Gly106Arg (NM_001324240.2); c.265G>A, p.Gly89Arg (NM_181493.4); short protein forms G106R, G65R, G89R.
Identifiers: ClinVar variation 533422 (VCV000533422.9), dbSNP rs202194282, ClinGen allele CA408079822.
Genomic context (GRCh38, chr20:3,218,537, plus strand): 5'-GCCATTAGGGATGCACTGAGCCCTCACTGCCCACCCGCAGGTCTCCACCAGCTCCTGGCC[G>A]GGTTCGAGGACAAGTCAGCCTATGCGCTCTGCACGTTTGCACTCAGCACCGGGGACCCAA-3'
Protein context (NP_258412.1, residues 96-116): KPEGLHQLLA[Gly106Arg]FEDKSAYALC

ClinVar aggregate classification (germline): Uncertain significance (1 of 4 stars; one submission).

Conditions:
Inosine triphosphatase deficiency. Also called: INOSINE TRIPHOSPHATE PYROPHOSPHOHYDROLASE DEFICIENCY. Identifiers: MedGen C0342800, MONDO:0013461, OMIM 613850.

gnomAD v4.1: 7 of 1,613,858 alleles (0.00043%); highest among the groups gnomAD compares: South Asian, 0.0022%; no homozygotes.

Submission:

Labcorp Genetics (formerly Invitae), Labcorp
Classification: Uncertain significance for Inosine triphosphatase deficiency. Last evaluated: 2022-11-15. Review status: criteria provided, single submitter. Criteria: Invitae Variant Classification Sherloc (09022015). Collection method: clinical testing. Allele origin: germline.
Comment: ClinVar contains an entry for this variant (Variation ID: 533422). Algorithms developed to predict the effect of missense changes on protein structure and function (SIFT, PolyPhen-2, Align-GVGD) all suggest that this variant is likely to be disruptive. In summary, the available evidence is currently insufficient to determine the role of this variant in disease. Therefore, it has been classified as a Variant of Uncertain Significance. This sequence change replaces glycine, which is neutral and non-polar, with arginine, which is basic and polar, at codon 106 of the ITPA protein (p.Gly106Arg). This variant is present in population databases (no rsID available, gnomAD 0.003%). This variant has not been reported in the literature in individuals affected with ITPA-related conditions.